The following is an entry in ClinVar:

ClinVar aggregate classification (germline): Uncertain significance. Review status: criteria provided, multiple submitters, no conflicts (2 of 4 stars). 3 submissions from 3 submitters: Uncertain significance (3). Last evaluated 2024-06-02.

Conditions:
Cardiovascular phenotype. Identifiers: MedGen CN230736.
Desmin-related myofibrillar myopathy (MFM1). Also called: Desminopathy; MYOFIBRILLAR MYOPATHY WITH ARRHYTHMOGENIC RIGHT VENTRICULAR CARDIOMYOPATHY; DESMIN-RELATED MYOPATHY WITH ARRHYTHMOGENIC RIGHT VENTRICULAR CARDIOMYOPATHY; Myofibrillar myopathy 1; Desmin related myopathy (former name); Desmin storage myopathy (former name). Identifiers: Orphanet 363543, Orphanet 98909, MedGen C1832370, MONDO:0011076, OMIM 601419.

Allele frequency attached by ClinVar (database versions not stated): gnomAD exomes below 0.00001.
gnomAD v4.1: 1 of 1,614,072 alleles (0.000062%); highest among the groups gnomAD compares: Non-Finnish European, 0.000085%; no homozygotes.

Submissions (3):

Labcorp Genetics (formerly Invitae), Labcorp
Classification: Uncertain significance for Desmin-related myofibrillar myopathy. Last evaluated: 2024-06-02. Review status: criteria provided, single submitter. Criteria: Invitae Variant Classification Sherloc (09022015). Collection method: clinical testing. Allele origin: germline.
Comment: This sequence change replaces glutamine, which is neutral and polar, with lysine, which is basic and polar, at codon 364 of the DES protein (p.Gln364Lys). This variant is present in population databases (no rsID available, gnomAD 0.0009%). This variant has not been reported in the literature in individuals affected with DES-related conditions. ClinVar contains an entry for this variant (Variation ID: 1045499). Advanced modeling of protein sequence and biophysical properties (such as structural, functional, and spatial information, amino acid conservation, physicochemical variation, residue mobility, and thermodynamic stability) has been performed at Invitae for this missense variant, however the output from this modeling did not meet the statistical confidence thresholds required to predict the impact of this variant on DES protein function. In summary, the available evidence is currently insufficient to determine the role of this variant in disease. Therefore, it has been classified as a Variant of Uncertain Significance.

Ambry Genetics
Classification: Uncertain significance for Cardiovascular phenotype. Last evaluated: 2023-02-28. Review status: criteria provided, single submitter. Criteria: Ambry Variant Classification Scheme 2023. Collection method: clinical testing. Allele origin: germline.
Comment: The p.Q364K variant (also known as c.1090C>A), located in coding exon 6 of the DES gene, results from a C to A substitution at nucleotide position 1090. The glutamine at codon 364 is replaced by lysine, an amino acid with similar properties. This amino acid position is conserved. In addition, this alteration is predicted to be deleterious by in silico analysis. Since supporting evidence is limited at this time, the clinical significance of this alteration remains unclear.

Revvity Omics, Revvity
Classification: Uncertain significance. Last evaluated: 2021-07-22. Review status: criteria provided, single submitter. Criteria: ACMG Guidelines, 2015. Collection method: clinical testing. Allele origin: germline.

NM_001927.4(DES):c.1090C>A (p.Gln364Lys)

Gene: DES (desmin; plus strand). Cytogenetic location: 2q35.
Variant type: single nucleotide variant.
Coding change: c.1090C>A on transcript NM_001927.4 (MANE Select); coding-DNA position 1090, C replaced by A.
Protein change: p.Gln364Lys; replaces glutamine 364 with lysine.
Molecular consequence: missense variant. On other transcripts: intron variant (2).
Genome position (GRCh38, 1-based): chr2:219,421,406, C>A. VCF-style: chr2-219421406-C-A. GRCh37 (hg19) VCF-style: chr2-220286128-C-A.
Other names: c.1087C>A, p.Gln363Lys (NM_001382708.1); c.1069C>A, p.Gln357Lys (NM_001382711.1); c.1090C>A, p.Gln364Lys (NM_001382712.1); c.820C>A, p.Gln274Lys (NM_001382713.1); c.1024-3C>A (NM_001382710.1); c.736-78C>A (NM_001382709.1); c.1090C>A (NM_001927.3); short protein forms Q274K, Q357K, Q364K, Q363K.
Identifiers: ClinVar variation 1045499 (VCV001045499.16), dbSNP rs1224165687, ClinGen allele CA350694116.